The following is an entry in ClinVar:

NM_005121.3(MED13):c.6377C>A (p.Thr2126Asn)

Gene: MED13 (mediator complex subunit 13; minus strand). Cytogenetic location: 17q23.2.
Variant type: single nucleotide variant.
Coding change: c.6377C>A on transcript NM_005121.3 (MANE Select); coding-DNA position 6377, C replaced by A.
Protein change: p.Thr2126Asn; replaces threonine 2126 with asparagine.
Molecular consequence: missense variant.
Genome position (GRCh38, 1-based): chr17:61,946,932, G>T on the plus strand (C>A on the coding strand, the complement: MED13 is on the minus strand). VCF-style: chr17-61946932-G-T. GRCh37 (hg19) VCF-style: chr17-60024293-G-T.
Other names: short protein forms T2126N.
Identifiers: ClinVar variation 4680981 (VCV004680981.1).

ClinVar aggregate classification (germline): Uncertain significance (1 of 4 stars; one submission).

Submission:

GeneDx
Classification: Uncertain significance. Last evaluated: 2025-06-30. Review status: criteria provided, single submitter. Criteria: GeneDx Variant Classification Process June 2021. Collection method: clinical testing. Allele origin: germline. Affected: yes.
Comment: Not observed at significant frequency in large population cohorts (gnomAD); In silico analysis supports that this missense variant has a deleterious effect on protein structure/function; Has not been previously published as pathogenic or benign to our knowledge